The following is an entry in ClinVar:

ClinVar aggregate classification (germline): Uncertain significance (1 of 4 stars; one submission).

Conditions:
Encephalopathy, acute, infection-induced (herpes-specific), susceptibility to, 6. Also called: Herpes simplex encephalitis, susceptibility to, 4. Identifiers: Orphanet 1930, MedGen C3553869, MONDO:0013921, OMIM 614850.

Allele frequency attached by ClinVar (database versions not stated): ExAC 0.00002; gnomAD exomes 0.00004.
gnomAD v4.1: 27 of 1,613,906 alleles (0.0017%); highest among the groups gnomAD compares: South Asian, 0.024%; no homozygotes.

Submission:

Labcorp Genetics (formerly Invitae), Labcorp
Classification: Uncertain significance for Encephalopathy, acute, infection-induced (herpes-specific), susceptibility to, 6. Last evaluated: 2021-08-26. Review status: criteria provided, single submitter. Criteria: Invitae Variant Classification Sherloc (09022015). Collection method: clinical testing. Allele origin: germline.
Comment: This sequence change replaces leucine with valine at codon 162 of the TICAM1 protein (p.Leu162Val). The leucine residue is weakly conserved and there is a small physicochemical difference between leucine and valine. This variant is present in population databases (rs780257437, ExAC 0.01%). This variant has not been reported in the literature in individuals affected with TICAM1-related conditions. Algorithms developed to predict the effect of missense changes on protein structure and function output the following: SIFT: "Tolerated"; PolyPhen-2: "Benign"; Align-GVGD: "Class C0". The valine amino acid residue is found in multiple mammalian species, which suggests that this missense change does not adversely affect protein function. Algorithms developed to predict the effect of sequence changes on RNA splicing suggest that this variant may create or strengthen a splice site. In summary, the available evidence is currently insufficient to determine the role of this variant in disease. Therefore, it has been classified as a Variant of Uncertain Significance.

NM_182919.4(TICAM1):c.484C>G (p.Leu162Val)

Gene: TICAM1 (TIR domain containing adaptor molecule 1; minus strand). Cytogenetic location: 19p13.3.
Variant type: single nucleotide variant.
Coding change: c.484C>G on transcript NM_182919.4 (MANE Select); coding-DNA position 484, C replaced by G.
Protein change: p.Leu162Val; replaces leucine 162 with valine.
Molecular consequence: missense variant.
Genome position (GRCh38, 1-based): chr19:4,817,894, G>C on the plus strand (C>G on the coding strand, the complement: TICAM1 is on the minus strand). VCF-style: chr19-4817894-G-C. GRCh37 (hg19) VCF-style: chr19-4817906-G-C.
Other names: short protein forms L162V.
Identifiers: ClinVar variation 843563 (VCV000843563.7), dbSNP rs780257437, ClinGen allele CA9105341.